The following is an entry in ClinVar:

ClinVar aggregate classification (germline): Conflicting classifications of pathogenicity. Review status: criteria provided, conflicting classifications (1 of 4 stars). 3 submissions from 3 submitters: Likely pathogenic (2); Uncertain significance (1). Last evaluated 2023-10-02.

Conditions:
Malignant hyperthermia, susceptibility to, 5 (MHS5). Also called: CACNA1S-Related Malignant Hyperthermia Susceptibility. Identifiers: Orphanet 423, MedGen C1866077, MONDO:0011163, OMIM 601887.
Hypokalemic periodic paralysis, type 1. Also called: HypoPP; Hypokalemic Periodic Paralysis Type 1 (AD). Identifiers: Orphanet 681, MedGen C3714580, MONDO:0042979, OMIM 170400.

Allele frequency attached by ClinVar (database versions not stated): gnomAD exomes below 0.00001; TOPMed below 0.00001.
gnomAD v4.1: 1 of 1,599,196 alleles (0.000063%); highest among the groups gnomAD compares: Non-Finnish European, 0.000086%; no homozygotes.

Submissions (3):

All of Us Research Program, National Institutes of Health
Classification: Uncertain significance for Malignant hyperthermia, susceptibility to, 5. Last evaluated: 2023-10-02. Review status: criteria provided, single submitter. Criteria: ACMG Guidelines, 2015. Collection method: clinical testing. Allele origin: germline. Inheritance: Autosomal dominant inheritance. Observed: 3 variant alleles, 3 heterozygotes.
Comment: This variant causes a G to A nucleotide substitution at the +1 position of intron 14 of the CACNA1S gene. Splice site prediction tools suggest that this variant may have a significant impact on RNA splicing. Although this prediction has not been confirmed in published RNA studies, this variant is expected to result in an absent or disrupted protein product. This variant has not been reported in individuals affected with CACNA1S-related disorders in the literature. This variant has not been identified in the general population by the Genome Aggregation Database (gnomAD). Loss of CACNA1S gene function due to haploinsufficiency is not an established disease mechanism for autosomal dominant malignant hyperthermia, although it is associated with other phenotype(s) (ClinVar Variation ID: 1521923). Due to insufficient evidence, this variant is classified as a Variant of Uncertain Significance for autosomal dominant malignant hyperthermia.

This study involves interpretation of variants in research participants for the purpose of population health screening. Participant phenotype was not available at the time of variant classification. Additional details can be found in publication PMID: 35346344, PMCID: PMC8962531

Revvity Omics, Revvity
Classification: Likely pathogenic. Last evaluated: 2023-06-20. Review status: criteria provided, single submitter. Criteria: ACMG Guidelines, 2015. Collection method: clinical testing. Allele origin: germline.

Labcorp Genetics (formerly Invitae), Labcorp
Classification: Likely pathogenic for Hypokalemic periodic paralysis, type 1; Malignant hyperthermia, susceptibility to, 5. Last evaluated: 2021-02-11. Review status: criteria provided, single submitter. Criteria: Invitae Variant Classification Sherloc (09022015). Collection method: clinical testing. Allele origin: germline.
Comment: In summary, the currently available evidence indicates that the variant is pathogenic, but additional data are needed to prove that conclusively. Therefore, this variant has been classified as Likely Pathogenic. Algorithms developed to predict the effect of sequence changes on RNA splicing suggest that this variant may disrupt the consensus splice site, but this prediction has not been confirmed by published transcriptional studies. This variant has not been reported in the literature in individuals with CACNA1S-related conditions. This variant is not present in population databases (ExAC no frequency). This sequence change affects a donor splice site in intron 14 of the CACNA1S gene. It is expected to disrupt RNA splicing. Variants that disrupt the donor or acceptor splice site typically lead to a loss of protein function (PMID: 16199547), and loss-of-function variants in CACNA1S are known to be pathogenic (PMID: 26247046, 28012042).

Literature cited by the submitters: PubMed 16199547 (cited by Labcorp Genetics (formerly Invitae), Labcorp); PubMed 26247046 (cited by Labcorp Genetics (formerly Invitae), Labcorp); PubMed 28012042 (cited by Labcorp Genetics (formerly Invitae), Labcorp).

NM_000069.3(CACNA1S):c.2063+1G>A

Gene: CACNA1S (calcium voltage-gated channel subunit alpha1 S; minus strand). Cytogenetic location: 1q32.1.
Variant type: single nucleotide variant.
Coding change: c.2063+1G>A on transcript NM_000069.3 (MANE Select); the canonical splice donor site of the intron after coding-DNA position 2063, G replaced by A.
Molecular consequence: splice donor variant.
Genome position (GRCh38, 1-based): chr1:201,074,505, C>T on the plus strand (G>A on the coding strand, the complement: CACNA1S is on the minus strand). VCF-style: chr1-201074505-C-T. GRCh37 (hg19) VCF-style: chr1-201043633-C-T.
Identifiers: ClinVar variation 1521923 (VCV001521923.11), dbSNP rs1407484817, ClinGen allele CA344114206.
Genomic context (GRCh38, chr1:201,074,505, plus strand): 5'-GCTGGAAGGCCATGGCCACGACTGAGCACTCCAGGTCCCTTCCTGCTAAGGAAGCACTCA[C>T]TTGGACATCTTCCTGCGTTTTTTCTCCTCAGCCTTGGCCTTCTGGGCAGAAGTCAGGCTC-3'